The following is an entry in ClinVar:

NM_001365951.3(KIF1B):c.5281A>G (p.Met1761Val)

Gene: KIF1B (kinesin family member 1B; plus strand). Cytogenetic location: 1p36.22.
Variant type: single nucleotide variant.
Coding change: c.5281A>G on transcript NM_001365951.3 (MANE Select); coding-DNA position 5281, A replaced by G.
Protein change: p.Met1761Val; replaces methionine 1761 with valine.
Molecular consequence: missense variant.
Genome position (GRCh38, 1-based): chr1:10,375,038, A>G. VCF-style: chr1-10375038-A-G. GRCh37 (hg19) VCF-style: chr1-10435096-A-G.
Other names: c.5281A>G, p.Met1761Val (NM_001365952.1); c.5143A>G, p.Met1715Val (NM_015074.3); short protein forms M1761V, M1715V.
Identifiers: ClinVar variation 1745617 (VCV001745617.2), dbSNP rs2521983795, ClinGen allele CA338330976.

ClinVar aggregate classification (germline): Uncertain significance (1 of 4 stars; one submission).

Submission:

Ambry Genetics
Classification: Uncertain significance. Last evaluated: 2022-05-04. Review status: criteria provided, single submitter. Criteria: Ambry Variant Classification Scheme 2023. Collection method: clinical testing. Allele origin: germline.
Comment: The p.M1715V variant (also known as c.5143A>G), located in coding exon 44 of the KIF1B gene, results from an A to G substitution at nucleotide position 5143. The methionine at codon 1715 is replaced by valine, an amino acid with highly similar properties. This amino acid position is conserved. In addition, the in silico prediction for this alteration is inconclusive. Since supporting evidence is limited at this time, the clinical significance of this alteration remains unclear.